The following is an entry in ClinVar:

NM_020774.4(MIB1):c.2717G>A (p.Arg906Gln)

Gene: MIB1 (MIB E3 ubiquitin protein ligase 1; plus strand). Cytogenetic location: 18q11.2.
Variant type: single nucleotide variant.
Coding change: c.2717G>A on transcript NM_020774.4 (MANE Select); coding-DNA position 2717, G replaced by A.
Protein change: p.Arg906Gln; replaces arginine 906 with glutamine.
Molecular consequence: missense variant.
Genome position (GRCh38, 1-based): chr18:21,857,181, G>A. VCF-style: chr18-21857181-G-A. GRCh37 (hg19) VCF-style: chr18-19437142-G-A.
Other names: short protein forms R906Q.
Identifiers: ClinVar variation 4624989 (VCV004624989.1).

ClinVar aggregate classification (germline): Uncertain significance (1 of 4 stars; one submission).

Conditions:
Inborn genetic diseases. Identifiers: MedGen C0950123, MeSH D030342.

gnomAD v4.1: 10 of 1,614,040 alleles (0.00062%); highest among the groups gnomAD compares: Admixed American, 0.005%; no homozygotes.

Submission:

Ambry Genetics
Classification: Uncertain significance for Inborn genetic diseases. Last evaluated: 2025-10-05. Review status: criteria provided, single submitter. Criteria: Ambry Variant Classification Scheme 2023. Collection method: clinical testing. Allele origin: germline.
Comment: The p.R906Q variant (also known as c.2717G>A), located in coding exon 19 of the MIB1 gene, results from a G to A substitution at nucleotide position 2717. The arginine at codon 906 is replaced by glutamine, an amino acid with highly similar properties. This amino acid position is conserved. In addition, the in silico prediction for this alteration is inconclusive. Based on the available evidence, the clinical significance of this variant remains unclear.